The following is an entry in ClinVar:

ClinVar aggregate classification (germline): Uncertain significance (1 of 4 stars; one submission).

Submission:

GeneDx
Classification: Uncertain significance. Last evaluated: 2024-01-25. Review status: criteria provided, single submitter. Criteria: GeneDx Variant Classification Process June 2021. Collection method: clinical testing. Allele origin: germline. Affected: yes.
Comment: Not observed at significant frequency in large population cohorts (gnomAD); Has not been previously published as pathogenic or benign to our knowledge; Canonical splice site variant in a gene for which loss-of-function is not a known mechanism of disease

NM_001382241.1(TNPO2):c.1864-1G>A

Gene: TNPO2 (transportin 2; minus strand). Cytogenetic location: 19p13.13.
Variant type: single nucleotide variant.
Coding change: c.1864-1G>A on transcript NM_001382241.1 (MANE Select); the canonical splice acceptor site of the intron before coding-DNA position 1864, G replaced by A.
Molecular consequence: splice acceptor variant.
Genome position (GRCh38, 1-based): chr19:12,705,399, C>T on the plus strand (G>A on the coding strand, the complement: TNPO2 is on the minus strand). VCF-style: chr19-12705399-C-T. GRCh37 (hg19) VCF-style: chr19-12816213-C-T.
Other names: c.1864-1G>A (NM_001382237.1, NM_001382240.1, NM_001382238.1 and 7 more transcripts).
Identifiers: ClinVar variation 3368163 (VCV003368163.1).